The following is an entry in ClinVar:

ClinVar aggregate classification (germline): Pathogenic (1 of 4 stars; one submission).

Conditions:
ABCA3-related disorder. Also called: ABCA3-related condition.

Submission:

PreventionGenetics, part of Exact Sciences
Classification: Pathogenic for ABCA3-related condition. Last evaluated: 2023-08-03. Review status: criteria provided, single submitter. Criteria: ACMG Guidelines, 2015. Collection method: clinical testing. Allele origin: germline.
Comment: The ABCA3 c.4776delC variant is predicted to result in a frameshift and premature protein termination (p.Phe1592Leufs*42). To our knowledge, this variant has not been reported in the literature or in a large population database, indicating this variant is rare. Frameshift variants in ABCA3 are expected to be pathogenic. This variant is interpreted as pathogenic.

NM_001089.3(ABCA3):c.4776del (p.Phe1592fs)

Gene: ABCA3 (ATP binding cassette subfamily A member 3; minus strand). Cytogenetic location: 16p13.3.
Variant type: Deletion.
Coding change: c.4776del on transcript NM_001089.3 (MANE Select); coding-DNA position 4776, one base deleted (C; older notation c.4776delC).
Protein change: p.Phe1592fs; shifts the reading frame from phenylalanine 1592.
Molecular consequence: frameshift variant.
Genome position (GRCh38, 1-based): chr16:2,278,012, G deleted on the plus strand (C on the coding strand, the reverse complement: ABCA3 is on the minus strand). VCF-style (leftmost placement, unchanged base first): chr16-2278011-TG-T. GRCh37 (hg19) VCF-style: chr16-2328012-TG-T.
Other names: short protein forms F1592fs.
Identifiers: ClinVar variation 2631264 (VCV002631264.1), dbSNP rs2501017765, ClinGen allele CA2695197430.
Genomic context (GRCh38, chr16:2,278,011, plus strand): 5'-CCCGCAGGGAGTAGCCGCTGCCGAACTTGCTCTTGAGGTGCTGGGGGCTGCCCAGGCACT[TG>T]AACTGCCCCTGCACCATGATGGCCAGCCGGGTGCACAGGGCCTCACACTCCTCCATGCTG-3'